The following is an entry in ClinVar:

NM_005337.5(NCKAP1L):c.655G>A (p.Ala219Thr)

Gene: NCKAP1L (NCK associated protein 1 like; plus strand). Cytogenetic location: 12q13.2.
Variant type: single nucleotide variant.
Coding change: c.655G>A on transcript NM_005337.5 (MANE Select); coding-DNA position 655, G replaced by A.
Protein change: p.Ala219Thr; replaces alanine 219 with threonine.
Molecular consequence: missense variant.
Genome position (GRCh38, 1-based): chr12:54,509,905, G>A. VCF-style: chr12-54509905-G-A. GRCh37 (hg19) VCF-style: chr12-54903689-G-A.
Other names: c.505G>A, p.Ala169Thr (NM_001184976.2); short protein forms A169T, A219T.
Identifiers: ClinVar variation 4806951 (VCV004806951.2).

ClinVar aggregate classification (germline): Uncertain significance. Review status: criteria provided, multiple submitters, no conflicts (2 of 4 stars). 2 submissions from 2 submitters: Uncertain significance (2). Last evaluated 2026-06-01.

gnomAD v4.1: 41 of 1,614,208 alleles (0.0025%); highest among the groups gnomAD compares: African/African-American, 0.049%; no homozygotes.

Submissions (2):

Women's Health and Genetics/Laboratory Corporation of America, LabCorp
Classification: Uncertain significance. Last evaluated: 2026-06-01. Review status: criteria provided, single submitter. Criteria: LabCorp Variant Classification Summary - May 2015. Collection method: clinical testing. Allele origin: germline.
Comment: Variant summary: NCKAP1L c.655G>A (p.Ala219Thr) results in a non-conservative amino acid change in the encoded protein sequence. Algorithms developed to predict the effect of missense changes on protein structure and function are either unavailable or do not agree on the potential impact of this missense change. The variant allele was found at a frequency of 4.4e-05 in 251404 control chromosomes. This frequency is not significantly higher than estimated for disease-causing variants in NCKAP1L, allowing no conclusion about variant significance. To our knowledge, no occurrence of c.655G>A in individuals affected with NCKAP1L-related conditions and no experimental evidence demonstrating its impact on protein function have been reported. ClinVar contains an entry for this variant (Variation ID: 4806951). Based on the evidence outlined above, the variant was classified as uncertain significance.

Labcorp Genetics (formerly Invitae), Labcorp
Classification: Uncertain significance. Last evaluated: 2025-03-18. Review status: criteria provided, single submitter. Criteria: Invitae Variant Classification Sherloc (09022015). Collection method: clinical testing. Allele origin: germline.
Comment: This sequence change replaces alanine, which is neutral and non-polar, with threonine, which is neutral and polar, at codon 219 of the NCKAP1L protein (p.Ala219Thr). This variant is present in population databases (rs373636188, gnomAD 0.05%). This variant has not been reported in the literature in individuals affected with NCKAP1L-related conditions. An algorithm developed to predict the effect of missense changes on protein structure and function (PolyPhen-2) suggests that this variant is likely to be disruptive. In summary, the available evidence is currently insufficient to determine the role of this variant in disease. Therefore, it has been classified as a Variant of Uncertain Significance.